The following is an entry in ClinVar:

ClinVar aggregate classification (germline): Uncertain significance (1 of 4 stars; one submission).

Submission:

Labcorp Genetics (formerly Invitae), Labcorp
Classification: Uncertain significance. Last evaluated: 2024-10-12. Review status: criteria provided, single submitter. Criteria: Invitae Variant Classification Sherloc (09022015). Collection method: clinical testing. Allele origin: germline.
Comment: This sequence change falls in intron 11 of the EIF2AK1 gene. It does not directly change the encoded amino acid sequence of the EIF2AK1 protein. This variant is present in population databases (rs374126722, gnomAD 0.03%). This variant has not been reported in the literature in individuals affected with EIF2AK1-related conditions. Algorithms developed to predict the effect of sequence changes on RNA splicing suggest that this variant may disrupt the consensus splice site. In summary, the available evidence is currently insufficient to determine the role of this variant in disease. Therefore, it has been classified as a Variant of Uncertain Significance.

NM_014413.4(EIF2AK1):c.1333-20C>G

Gene: EIF2AK1 (eukaryotic translation initiation factor 2 alpha kinase 1; minus strand). Cytogenetic location: 7p22.1.
Variant type: single nucleotide variant.
Coding change: c.1333-20C>G on transcript NM_014413.4 (MANE Select); 20 bases into the intron before coding-DNA position 1333, C replaced by G.
Molecular consequence: intron variant.
Genome position (GRCh38, 1-based): chr7:6,029,052, G>C on the plus strand (C>G on the coding strand, the complement: EIF2AK1 is on the minus strand). VCF-style: chr7-6029052-G-C. GRCh37 (hg19) VCF-style: chr7-6068683-G-C.
Other names: c.1330-20C>G (NM_001134335.2).
Identifiers: ClinVar variation 3697938 (VCV003697938.2).